The following is an entry in ClinVar:

NM_133261.3(GIPC3):c.787+5G>C

Gene: GIPC3 (GIPC PDZ domain containing family member 3; plus strand). Cytogenetic location: 19p13.3.
Variant type: single nucleotide variant.
Coding change: c.787+5G>C on transcript NM_133261.3 (MANE Select); 5 bases into the intron after coding-DNA position 787, G replaced by C.
Molecular consequence: intron variant.
Genome position (GRCh38, 1-based): chr19:3,589,917, G>C. VCF-style: chr19-3589917-G-C. GRCh37 (hg19) VCF-style: chr19-3589915-G-C.
Identifiers: ClinVar variation 228699 (VCV000228699.4), dbSNP rs876657816, ClinGen allele CA10577099.

ClinVar aggregate classification (germline): Likely benign (1 of 4 stars; one submission).

Allele frequency attached by ClinVar (database versions not stated): TOPMed 0.00001.

Submission:

Laboratory for Molecular Medicine, Mass General Brigham Personalized Medicine
Classification: Likely benign. Last evaluated: 2016-12-06. Review status: criteria provided, single submitter. Criteria: LMM Criteria. Collection method: clinical testing. Allele origin: germline. Observed: 6 variant alleles.